The following is an entry in ClinVar:

NM_016239.4(MYO15A):c.2054C>A (p.Ser685Ter)

Gene: MYO15A (myosin XVA; plus strand). Cytogenetic location: 17p11.2.
Variant type: single nucleotide variant.
Coding change: c.2054C>A on transcript NM_016239.4 (MANE Select); coding-DNA position 2054, C replaced by A.
Protein change: p.Ser685Ter; replaces serine 685 with a stop codon.
Molecular consequence: nonsense.
Genome position (GRCh38, 1-based): chr17:18,120,854, C>A. VCF-style: chr17-18120854-C-A. GRCh37 (hg19) VCF-style: chr17-18024168-C-A.
Other names: short protein forms S685*.
Identifiers: ClinVar variation 1978246 (VCV001978246.4), dbSNP rs2045909405, ClinGen allele CA398580818.

ClinVar aggregate classification (germline): Pathogenic (1 of 4 stars; one submission).

Allele frequency attached by ClinVar (database versions not stated): gnomAD exomes below 0.00001.
gnomAD v4.1: 1 of 1,200,378 alleles (0.000083%); highest among the groups gnomAD compares: Non-Finnish European, 0.0001%; no homozygotes.

Submission:

Labcorp Genetics (formerly Invitae), Labcorp
Classification: Pathogenic. Last evaluated: 2022-02-23. Review status: criteria provided, single submitter. Criteria: Invitae Variant Classification Sherloc (09022015). Collection method: clinical testing. Allele origin: germline.
Comment: This sequence change creates a premature translational stop signal (p.Ser685*) in the MYO15A gene. It is expected to result in an absent or disrupted protein product. Loss-of-function variants in MYO15A are known to be pathogenic (PMID: 17546645). This variant is not present in population databases (gnomAD no frequency). This variant has not been reported in the literature in individuals affected with MYO15A-related conditions. For these reasons, this variant has been classified as Pathogenic.

Literature cited by the submitters: PubMed 17546645.